The following is an entry in ClinVar:

NM_000260.4(MYO7A):c.639C>G (p.Phe213Leu)

Gene: MYO7A (myosin VIIA; plus strand). Cytogenetic location: 11q13.5.
Variant type: single nucleotide variant.
Coding change: c.639C>G on transcript NM_000260.4 (MANE Select); coding-DNA position 639, C replaced by G.
Protein change: p.Phe213Leu; replaces phenylalanine 213 with leucine.
Molecular consequence: missense variant.
Genome position (GRCh38, 1-based): chr11:77,156,908, C>G. VCF-style: chr11-77156908-C-G. GRCh37 (hg19) VCF-style: chr11-76867954-C-G.
Other names: c.639C>G, p.Phe213Leu (NM_001127180.2); c.606C>G, p.Phe202Leu (NM_001369365.1); short protein forms F202L, F213L.
Identifiers: ClinVar variation 1018688 (VCV001018688.10), dbSNP rs540197003, ClinGen allele CA381932111.
Genomic context (GRCh38, chr11:77,156,908, plus strand): 5'-TACTCACTCCGCAGCATTTGGGAATGCCAAGACCATCCGCAATGACAACTCAAGCCGTTT[C>G]GGAAAGTACATCGACATCCACTTCAACAAGCGGGGCGCCATCGAGGGCGCGAAGATTGAG-3'
Protein context (NP_000251.3, residues 203-223): KTIRNDNSSR[Phe213Leu]GKYIDIHFNK

ClinVar aggregate classification (germline): Uncertain significance. Review status: criteria provided, single submitter (1 of 4 stars). 2 submissions from 2 submitters: Uncertain significance (1). 1 of the submissions does not count toward it. Last evaluated 2020-01-10.

Conditions:
Usher syndrome type 1B (USH1B). Also called: Usher syndrome type IB. Identifiers: MedGen C1848638, MONDO:0700087.

gnomAD v4.1: 1 of 1,614,020 alleles (0.000062%); highest among the groups gnomAD compares: Non-Finnish European, 0.000085%; no homozygotes.

Submissions (2):

Labcorp Genetics (formerly Invitae), Labcorp
Classification: Uncertain significance. Last evaluated: 2020-01-10. Review status: criteria provided, single submitter. Criteria: Invitae Variant Classification Sherloc (09022015). Collection method: clinical testing. Allele origin: germline.
Comment: In summary, the available evidence is currently insufficient to determine the role of this variant in disease. Therefore, it has been classified as a Variant of Uncertain Significance. Algorithms developed to predict the effect of missense changes on protein structure and function are either unavailable or do not agree on the potential impact of this missense change (SIFT: "Deleterious"; PolyPhen-2: "Probably Damaging"; Align-GVGD: "Class C0"). This variant has not been reported in the literature in individuals with MYO7A-related conditions. This variant is not present in population databases (ExAC no frequency). This sequence change replaces phenylalanine with leucine at codon 213 of the MYO7A protein (p.Phe213Leu). The phenylalanine residue is highly conserved and there is a small physicochemical difference between phenylalanine and leucine.

Natera, Inc.
Classification: Uncertain significance for Usher syndrome type 1B. Last evaluated: 2021-04-13. Review status: no assertion criteria provided. Collection method: clinical testing. Allele origin: germline. Not counted in ClinVar's aggregate classification.